The following is an entry in ClinVar:

ClinVar aggregate classification (germline): Likely benign (1 of 4 stars; one submission).

gnomAD v4.1: 69 of 398,694 alleles (0.017%); highest among the groups gnomAD compares: Non-Finnish European, 0.025%; no homozygotes.

Submission:

CeGaT Center for Human Genetics Tuebingen
Classification: Likely benign. Last evaluated: 2025-11-01. Review status: criteria provided, single submitter. Criteria: CeGaT Center For Human Genetics Tuebingen Variant Classification Criteria Version 2. Collection method: clinical testing. Allele origin: germline. Affected: yes. Observed: 2 variant alleles.
Comment: KCNQ1OT1: BS2

NM_000218.3(KCNQ1):c.1514+23654G>A

Genes: KCNQ1 (potassium voltage-gated channel subfamily Q member 1; plus strand), KCNQ1OT1 (KCNQ1 opposite strand/antisense transcript 1; minus strand). Cytogenetic location: 11p15.5.
Variant type: single nucleotide variant.
Coding change: c.1514+23654G>A on transcript NM_000218.3 (MANE Select); 23654 bases into the intron after coding-DNA position 1514, G replaced by A.
Molecular consequence: intron variant. On other transcripts: non-coding transcript variant (1).
Genome position (GRCh38, 1-based): chr11:2,685,735, G>A. VCF-style: chr11-2685735-G-A. GRCh37 (hg19) VCF-style: chr11-2706965-G-A.
Other names: c.1244+23654G>A (NM_001406837.1); c.1418+23654G>A (NM_001406836.1); c.974+23654G>A (NM_001406838.1); c.1133+23654G>A (NM_181798.2).
Identifiers: ClinVar variation 3905565 (VCV003905565.10).